The following is an entry in ClinVar:

NM_001849.4(COL6A2):c.2084A>C (p.Glu695Ala)

Gene: COL6A2 (collagen type VI alpha 2 chain; plus strand). Cytogenetic location: 21q22.3.
Variant type: single nucleotide variant.
Coding change: c.2084A>C on transcript NM_001849.4 (MANE Select); coding-DNA position 2084, A replaced by C.
Protein change: p.Glu695Ala; replaces glutamic acid 695 with alanine.
Molecular consequence: missense variant.
Genome position (GRCh38, 1-based): chr21:46,125,899, A>C. VCF-style: chr21-46125899-A-C. GRCh37 (hg19) VCF-style: chr21-47545813-A-C.
Other names: c.2084A>C, p.Glu695Ala (NM_058174.3, NM_058175.3); short protein forms E695A.
Identifiers: ClinVar variation 852344 (VCV000852344.11), dbSNP rs774611719, ClinGen allele CA10072439.
Genomic context (GRCh38, chr21:46,125,899, plus strand): 5'-AGCTGGACGACGAACGTATCGACTCCCTGTCGAGCTTCAAGGAGGCTGTCAAGAACCTCG[A>C]GTGGATTGCGGGCGGCACCTGGACACCCTCAGCCCTCAAGTTTGCCTACGACCGCCTCAT-3'
Protein context (NP_001840.3, residues 685-705): SSFKEAVKNL[Glu695Ala]WIAGGTWTPS

ClinVar aggregate classification (germline): Uncertain significance. Review status: criteria provided, multiple submitters, no conflicts (2 of 4 stars). 2 submissions from 2 submitters: Uncertain significance (2). Last evaluated 2023-06-01.

Conditions:
Bethlem myopathy 1A. Also called: MYOPATHY, BENIGN CONGENITAL, WITH CONTRACTURES; Bethlem Muscular Dystrophy; Bethlem myopathy 1. Identifiers: Orphanet 610, MedGen CN029274, MONDO:0024530, OMIM 158810.

Allele frequency attached by ClinVar (database versions not stated): TOPMed 0.00001; gnomAD exomes 0.00002; ExAC 0.00003; gnomAD 0.00003.
gnomAD v4.1: 34 of 1,613,038 alleles (0.0021%); highest among the groups gnomAD compares: Non-Finnish European, 0.0027%; no homozygotes.

Submissions (2):

Blueprint Genetics
Classification: Uncertain significance. Last evaluated: 2023-06-01. Review status: criteria provided, single submitter. Criteria: ACMG Guidelines, 2015. Collection method: clinical testing. Allele origin: germline.

Labcorp Genetics (formerly Invitae), Labcorp
Classification: Uncertain significance for Bethlem myopathy 1A. Last evaluated: 2020-05-06. Review status: criteria provided, single submitter. Criteria: Invitae Variant Classification Sherloc (09022015). Collection method: clinical testing. Allele origin: germline.
Comment: This variant has not been reported in the literature in individuals with COL6A2-related conditions. This variant is present in population databases (rs774611719, ExAC 0.006%). This sequence change replaces glutamic acid with alanine at codon 695 of the COL6A2 protein (p.Glu695Ala). The glutamic acid residue is highly conserved and there is a moderate physicochemical difference between glutamic acid and alanine. Algorithms developed to predict the effect of missense changes on protein structure and function are either unavailable or do not agree on the potential impact of this missense change (SIFT: "Deleterious"; PolyPhen-2: "Probably Damaging"; Align-GVGD: "Class C0"). In summary, the available evidence is currently insufficient to determine the role of this variant in disease. Therefore, it has been classified as a Variant of Uncertain Significance.